The following is an entry in ClinVar:

NM_004963.4(GUCY2C):c.1426A>G (p.Ile476Val)

Gene: GUCY2C (guanylate cyclase 2C; minus strand). Cytogenetic location: 12p12.3.
Variant type: single nucleotide variant.
Coding change: c.1426A>G on transcript NM_004963.4 (MANE Select); coding-DNA position 1426, A replaced by G.
Protein change: p.Ile476Val; replaces isoleucine 476 with valine.
Molecular consequence: missense variant.
Genome position (GRCh38, 1-based): chr12:14,656,556, T>C on the plus strand (A>G on the coding strand, the complement: GUCY2C is on the minus strand). VCF-style: chr12-14656556-T-C. GRCh37 (hg19) VCF-style: chr12-14809490-T-C.
Other names: short protein forms I476V.
Identifiers: ClinVar variation 3618671 (VCV003618671.2).

ClinVar aggregate classification (germline): Uncertain significance (1 of 4 stars; one submission).

gnomAD v4.1: 2 of 1,604,884 alleles (0.00012%); highest among the groups gnomAD compares: East Asian, 0.0045%; no homozygotes.

Submission:

Labcorp Genetics (formerly Invitae), Labcorp
Classification: Uncertain significance. Last evaluated: 2025-03-05. Review status: criteria provided, single submitter. Criteria: Invitae Variant Classification Sherloc (09022015). Collection method: clinical testing. Allele origin: germline.
Comment: This sequence change replaces isoleucine, which is neutral and non-polar, with valine, which is neutral and non-polar, at codon 476 of the GUCY2C protein (p.Ile476Val). This variant is present in population databases (rs774813365, gnomAD 0.03%). This variant has not been reported in the literature in individuals affected with GUCY2C-related conditions. Invitae Evidence Modeling of protein sequence and biophysical properties (such as structural, functional, and spatial information, amino acid conservation, physicochemical variation, residue mobility, and thermodynamic stability) indicates that this missense variant is not expected to disrupt GUCY2C protein function with a negative predictive value of 80%. In summary, the available evidence is currently insufficient to determine the role of this variant in disease. Therefore, it has been classified as a Variant of Uncertain Significance.